The following is an entry in ClinVar:

ClinVar aggregate classification (germline): Uncertain significance (1 of 4 stars; one submission).

Conditions:
MIB1-related disorder. Also called: MIB1-related condition.

gnomAD v4.1: 1 of 1,613,618 alleles (0.000062%); no homozygotes.

Submission:

PreventionGenetics, part of Exact Sciences
Classification: Uncertain significance for MIB1-related condition. Last evaluated: 2026-08-31. Review status: criteria provided, single submitter. Criteria: ACMG Guidelines, 2015. Collection method: clinical testing. Allele origin: germline.
Comment: The MIB1 c.1405C>T variant is predicted to result in premature protein termination (p.Gln469*). To our knowledge, this variant has not been reported in the literature or in a large population database (gnomAD), indicating this variant is rare. Loss of function has not been conclusively established as a mechanism for MIB1-related disorders. Although we suspect that this variant may be pathogenic, at this time, the clinical significance of this variant is uncertain due to the absence of conclusive functional and genetic evidence.

NM_020774.4(MIB1):c.1405C>T (p.Gln469Ter)

Gene: MIB1 (MIB E3 ubiquitin protein ligase 1; plus strand). Cytogenetic location: 18q11.2.
Variant type: single nucleotide variant.
Coding change: c.1405C>T on transcript NM_020774.4 (MANE Select); coding-DNA position 1405, C replaced by T.
Protein change: p.Gln469Ter; replaces glutamine 469 with a stop codon.
Molecular consequence: nonsense.
Genome position (GRCh38, 1-based): chr18:21,803,940, C>T. VCF-style: chr18-21803940-C-T. GRCh37 (hg19) VCF-style: chr18-19383901-C-T.
Other names: short protein forms Q469*.
Identifiers: ClinVar variation 4991201 (VCV004991201.1).